The following is an entry in ClinVar:

ClinVar aggregate classification (germline): Uncertain significance. Review status: criteria provided, multiple submitters, no conflicts (2 of 4 stars). 3 submissions from 3 submitters: Uncertain significance (3). Last evaluated 2025-12-20.

Conditions:
Hereditary cancer-predisposing syndrome. Also called: Hereditary Cancer Syndrome; Tumor predisposition; Hereditary neoplastic syndrome; Neoplastic Syndromes, Hereditary. Identifiers: Orphanet 140162, MedGen C0027672, MeSH D009386, MONDO:0015356.
Tuberous sclerosis 2 (TSC2). Identifiers: Orphanet 805, MedGen C1860707, MONDO:0013199, OMIM 613254.
Tuberous sclerosis syndrome (TSC). Also called: Tuberous Sclerosis Complex; Tuberous sclerosis. Identifiers: Orphanet 805, MedGen C0041341, MONDO:0001734.

Submissions (3):

Labcorp Genetics (formerly Invitae), Labcorp
Classification: Uncertain significance for Tuberous sclerosis 2. Last evaluated: 2025-12-20. Review status: criteria provided, single submitter. Criteria: Invitae Variant Classification Sherloc (09022015). Collection method: clinical testing. Allele origin: germline.
Comment: This sequence change replaces proline, which is neutral and non-polar, with glutamine, which is neutral and polar, at codon 1305 of the TSC2 protein (p.Pro1305Gln). This variant is not present in population databases (gnomAD no frequency). This variant has not been reported in the literature in individuals affected with TSC2-related conditions. ClinVar contains an entry for this variant (Variation ID: 1055991). Invitae Evidence Modeling of protein sequence and biophysical properties (such as structural, functional, and spatial information, amino acid conservation, physicochemical variation, residue mobility, and thermodynamic stability) indicates that this missense variant is not expected to disrupt TSC2 protein function with a negative predictive value of 95%. In summary, the available evidence is currently insufficient to determine the role of this variant in disease. Therefore, it has been classified as a Variant of Uncertain Significance.

Ambry Genetics
Classification: Uncertain significance for Hereditary cancer-predisposing syndrome. Last evaluated: 2024-09-04. Review status: criteria provided, single submitter. Criteria: Ambry Variant Classification Scheme 2023. Collection method: clinical testing. Allele origin: germline.
Comment: The p.P1305Q variant (also known as c.3914C>A), located in coding exon 32 of the TSC2 gene, results from a C to A substitution at nucleotide position 3914. The proline at codon 1305 is replaced by glutamine, an amino acid with similar properties. This amino acid position is conserved. In addition, the in silico prediction for this alteration is inconclusive. Based on the available evidence, the clinical significance of this variant remains unclear.

All of Us Research Program, National Institutes of Health
Classification: Uncertain significance for Tuberous sclerosis syndrome. Last evaluated: 2024-06-11. Review status: criteria provided, single submitter. Criteria: ACMG Guidelines, 2015. Collection method: clinical testing. Allele origin: germline. Inheritance: Autosomal dominant inheritance. Observed: 1 variant allele, 1 heterozygote.
Comment: This study involves interpretation of variants in research participants for the purpose of population health screening. Participant phenotype was not available at the time of variant classification. Additional details can be found in publication PMID: 35346344, PMCID: PMC8962531

NM_000548.5(TSC2):c.3914C>A (p.Pro1305Gln)

Gene: TSC2 (TSC complex subunit 2; plus strand). Cytogenetic location: 16p13.3.
Variant type: single nucleotide variant.
Coding change: c.3914C>A on transcript NM_000548.5 (MANE Select); coding-DNA position 3914, C replaced by A.
Protein change: p.Pro1305Gln; replaces proline 1305 with glutamine.
Molecular consequence: missense variant.
Genome position (GRCh38, 1-based): chr16:2,083,725, C>A. VCF-style: chr16-2083725-C-A. GRCh37 (hg19) VCF-style: chr16-2133726-C-A.
Other names: c.3785C>A, p.Pro1262Gln (NM_021055.3, NM_001370405.1); c.3713C>A, p.Pro1238Gln (NM_001077183.3); c.3845C>A, p.Pro1282Gln (NM_001114382.3); c.3605C>A, p.Pro1202Gln (NM_001318827.2); c.3569C>A, p.Pro1190Gln (NM_001318829.2); c.3182C>A, p.Pro1061Gln (NM_001318831.2); c.3746C>A, p.Pro1249Gln (NM_001318832.2); c.3716C>A, p.Pro1239Gln (NM_001363528.2); and 1 more; short protein forms P1061Q, P1190Q, P1202Q, P1238Q, P1239Q, P1249Q, P1261Q, P1262Q.
Identifiers: ClinVar variation 1055991 (VCV001055991.11), dbSNP rs45517320, ClinGen allele CA394297068.